The following is an entry in ClinVar:

NM_172250.3(MMAA):c.*3824C>A

Gene: MMAA (metabolism of cobalamin associated A; plus strand). Cytogenetic location: 4q31.21.
Variant type: single nucleotide variant.
Coding change: c.*3824C>A on transcript NM_172250.3 (MANE Select); 3824 bases downstream of the stop codon, C replaced by A.
Molecular consequence: 3 prime UTR variant.
Genome position (GRCh38, 1-based): chr4:145,659,258, C>A. VCF-style: chr4-145659258-C-A. GRCh37 (hg19) VCF-style: chr4-146580410-C-A.
Identifiers: ClinVar variation 347667 (VCV000347667.6), dbSNP rs72950842, ClinGen allele CA10618001.

ClinVar aggregate classification (germline): Benign. Review status: criteria provided, multiple submitters, no conflicts (2 of 4 stars). 2 submissions from 2 submitters: Benign (2). Last evaluated 2018-01-12.

Conditions:
Methylmalonic aciduria, cblA type (MACA). Also called: Methylmalonic aciduria, vitamin b12-responsive, due to defect in synthesis of adenosylcobalamin, cbla complementation type; MMA cbl A type; Methylmalonic acidemia cblA type; Methylmalonic aciduria, vitamin B12-responsive; Vitamin B12-responsive methylmalonic acidemia type cblA. Identifiers: Orphanet 28, Orphanet 79310, MedGen C1855109, MONDO:0009613, OMIM 251100.

Allele frequency attached by ClinVar (database versions not stated): gnomAD 0.01396; TOPMed 0.01591; 1000 Genomes Project 0.01657; 1000 Genomes Project 30x 0.01796.

Submissions (2):

Illumina Laboratory Services, Illumina
Classification: Benign for Methylmalonic aciduria, cblA type. Last evaluated: 2018-01-12. Review status: criteria provided, single submitter. Criteria: ICSL Variant Classification Criteria 13 December 2019. Collection method: clinical testing. Allele origin: germline.
Comment: This variant was observed in the ICSL laboratory as part of a predisposition screen in an ostensibly healthy population. It had not been previously curated by ICSL or reported in the Human Gene Mutation Database (HGMD: prior to June 1st, 2018), and was therefore a candidate for classification through an automated scoring system. Utilizing variant allele frequency, disease prevalence and penetrance estimates, and inheritance mode, an automated score was calculated to assess if this variant is too frequent to cause the disease. Based on the score and internal cut-off values, a variant classified as benign is not then subjected to further curation. The score for this variant resulted in a classification of benign for this disease.

Breakthrough Genomics
Classification: Benign. Review status: criteria provided, single submitter. Criteria: ACMG Guidelines, 2015. Collection method: not provided. Allele origin: germline. Inheritance: Autosomal recessive inheritance. Affected: yes.